The following is an entry in ClinVar:

ClinVar aggregate classification (germline): Uncertain significance. Review status: criteria provided, multiple submitters, no conflicts (2 of 4 stars). 5 submissions from 4 submitters: Uncertain significance (5). Last evaluated 2026-03-18.

Conditions:
Cardiovascular phenotype. Identifiers: MedGen CN230736.
Autosomal dominant nonsyndromic hearing loss 10. Identifiers: Orphanet 90635, MedGen C1832476, MONDO:0011031, OMIM 601316.
Dilated cardiomyopathy 1J (CMD1J). Also called: CARDIOMYOPATHY, DILATED, WITH SENSORINEURAL HEARING LOSS, AUTOSOMAL DOMINANT. Identifiers: Orphanet 217622, MedGen C1854368, MONDO:0011541, OMIM 605362.

Allele frequency attached by ClinVar (database versions not stated): gnomAD exomes below 0.00001; ExAC 0.00001; gnomAD 0.00002 and 0.00004; TOPMed 0.00005.
gnomAD v4.1: 11 of 1,613,884 alleles (0.00068%); highest among the groups gnomAD compares: Admixed American, 0.0083%; no homozygotes.

Submissions (5):

Ambry Genetics
Classification: Uncertain significance for Cardiovascular phenotype. Last evaluated: 2026-03-18. Review status: criteria provided, single submitter. Criteria: Ambry Variant Classification Scheme 2023. Collection method: clinical testing. Allele origin: germline.

Labcorp Genetics (formerly Invitae), Labcorp
Classification: Uncertain significance for Dilated cardiomyopathy 1J. Last evaluated: 2025-09-15. Review status: criteria provided, single submitter. Criteria: Invitae Variant Classification Sherloc (09022015). Collection method: clinical testing. Allele origin: germline.
Comment: This sequence change replaces threonine, which is neutral and polar, with isoleucine, which is neutral and non-polar, at codon 61 of the EYA4 protein (p.Thr61Ile). This variant is present in population databases (rs778473535, gnomAD 0.0009%). This variant has not been reported in the literature in individuals affected with EYA4-related conditions. ClinVar contains an entry for this variant (Variation ID: 355442). An algorithm developed to predict the effect of missense changes on protein structure and function (PolyPhen-2) suggests that this variant is likely to be disruptive. In summary, the available evidence is currently insufficient to determine the role of this variant in disease. Therefore, it has been classified as a Variant of Uncertain Significance.

GeneDx
Classification: Uncertain significance. Last evaluated: 2024-05-07. Review status: criteria provided, single submitter. Criteria: GeneDx Variant Classification Process June 2021. Collection method: clinical testing. Allele origin: germline. Affected: yes.
Comment: Has not been previously published as pathogenic or benign to our knowledge; Not observed at significant frequency in large population cohorts (gnomAD); In silico analysis indicates that this missense variant does not alter protein structure/function

Illumina Laboratory Services, Illumina
Classification: Uncertain significance for Autosomal dominant nonsyndromic hearing loss 10. Last evaluated: 2018-01-13. Review status: criteria provided, single submitter. Criteria: ICSL Variant Classification Criteria 13 December 2019. Collection method: clinical testing. Allele origin: germline.

Illumina Laboratory Services, Illumina
Classification: Uncertain significance for Dilated cardiomyopathy 1J. Last evaluated: 2018-01-13. Review status: criteria provided, single submitter. Criteria: ICSL Variant Classification Criteria 13 December 2019. Collection method: clinical testing. Allele origin: germline.

NM_004100.5(EYA4):c.182C>T (p.Thr61Ile)

Gene: EYA4 (EYA transcriptional coactivator and phosphatase 4; plus strand). Cytogenetic location: 6q23.2.
Variant type: single nucleotide variant.
Coding change: c.182C>T on transcript NM_004100.5 (MANE Select); coding-DNA position 182, C replaced by T.
Protein change: p.Thr61Ile; replaces threonine 61 with isoleucine.
Molecular consequence: missense variant.
Genome position (GRCh38, 1-based): chr6:133,446,728, C>T. VCF-style: chr6-133446728-C-T. GRCh37 (hg19) VCF-style: chr6-133767866-C-T.
Other names: c.182C>T, p.Thr61Ile (NM_001301012.2, NM_001301013.2, NM_001370458.1 and 3 more transcripts); short protein forms T61I.
Identifiers: ClinVar variation 355442 (VCV000355442.20), dbSNP rs778473535, ClinGen allele CA4007969.